The following is an entry in ClinVar:

ClinVar aggregate classification (germline): Likely benign. Review status: criteria provided, single submitter (1 of 4 stars). 2 submissions from 2 submitters: Likely benign (1). 1 of the submissions does not count toward it. Last evaluated 2026-01-19.

Conditions:
SLC25A32-related disorder. Also called: SLC25A32-related condition.

Allele frequency attached by ClinVar (database versions not stated): gnomAD exomes 0.00001; ExAC 0.00003; gnomAD 0.00011; TOPMed 0.00013; 1000 Genomes Project 0.00040; 1000 Genomes Project 30x 0.00047.
gnomAD v4.1: 36 of 1,613,860 alleles (0.0022%); highest among the groups gnomAD compares: Admixed American, 0.025%; no homozygotes.

Submissions (2):

Labcorp Genetics (formerly Invitae), Labcorp
Classification: Likely benign. Last evaluated: 2026-01-19. Review status: criteria provided, single submitter. Criteria: Invitae Variant Classification Sherloc (09022015). Collection method: clinical testing. Allele origin: germline.

PreventionGenetics, part of Exact Sciences
Classification: Likely benign for SLC25A32-related condition. Last evaluated: 2020-04-27. Review status: no assertion criteria provided. Collection method: clinical testing. Allele origin: germline. Not counted in ClinVar's aggregate classification.
Comment: This variant is classified as likely benign based on ACMG/AMP sequence variant interpretation guidelines (Richards et al. 2015 PMID: 25741868, with internal and published modifications).

NM_030780.5(SLC25A32):c.822C>T (p.Gly274=)

Gene: SLC25A32 (solute carrier family 25 member 32; minus strand). Cytogenetic location: 8q22.3.
Variant type: single nucleotide variant.
Coding change: c.822C>T on transcript NM_030780.5 (MANE Select); coding-DNA position 822, C replaced by T.
Protein change: p.Gly274=; no amino-acid change (glycine 274 retained).
Molecular consequence: synonymous variant. On other transcripts: non-coding transcript variant (2).
Genome position (GRCh38, 1-based): chr8:103,400,537, G>A on the plus strand (C>T on the coding strand, the complement: SLC25A32 is on the minus strand). VCF-style: chr8-103400537-G-A. GRCh37 (hg19) VCF-style: chr8-104412765-G-A.
Other names: c.822C>T (NM_030780.4).
Identifiers: ClinVar variation 2080350 (VCV002080350.6), dbSNP rs191949047, ClinGen allele CA4835350.
Genomic context (GRCh38, chr8:103,400,537, plus strand): 5'-ACAGCAGGCTGGAGTCACTCTAATCAAATTAGGAGCAATTCCCTTGTAAAATCCACCGAC[G>A]CCTTCTTTCCTTTAGAGGGAAAAATAGATAATGCTTAATTTTGTATAGAGCTAGCTTGAA-3'
Protein context (NP_110407.2, residues 264-284): DVITKTWRKE[Gly274=]VGGFYKGIAP